The following is an entry in ClinVar:

ClinVar aggregate classification (germline): Likely pathogenic (1 of 4 stars; one submission).

Allele frequency attached by ClinVar (database versions not stated): TOPMed below 0.00001; gnomAD 0.00001.
gnomAD v4.1: 1 of 1,613,398 alleles (0.000062%); highest among the groups gnomAD compares: Non-Finnish European, 0.000085%; no homozygotes.

Submission:

Labcorp Genetics (formerly Invitae), Labcorp
Classification: Likely pathogenic. Last evaluated: 2023-11-18. Review status: criteria provided, single submitter. Criteria: Invitae Variant Classification Sherloc (09022015). Collection method: clinical testing. Allele origin: germline.
Comment: This sequence change affects a donor splice site in intron 30 of the ABCA12 gene. It is expected to disrupt RNA splicing. Variants that disrupt the donor or acceptor splice site typically lead to a loss of protein function (PMID: 16199547), and loss-of-function variants in ABCA12 are known to be pathogenic (PMID: 20672373). This variant is not present in population databases (gnomAD no frequency). This variant has not been reported in the literature in individuals affected with ABCA12-related conditions. Algorithms developed to predict the effect of sequence changes on RNA splicing suggest that this variant may disrupt the consensus splice site. In summary, the currently available evidence indicates that the variant is pathogenic, but additional data are needed to prove that conclusively. Therefore, this variant has been classified as Likely Pathogenic.

Literature cited by the submitters: PubMed 16199547; PubMed 20672373.

NM_173076.3(ABCA12):c.4579+1G>T

Gene: ABCA12 (ATP binding cassette subfamily A member 12; minus strand). Cytogenetic location: 2q35.
Variant type: single nucleotide variant.
Coding change: c.4579+1G>T on transcript NM_173076.3 (MANE Select); the canonical splice donor site of the intron after coding-DNA position 4579, G replaced by T.
Molecular consequence: splice donor variant.
Genome position (GRCh38, 1-based): chr2:214,982,186, C>A on the plus strand (G>T on the coding strand, the complement: ABCA12 is on the minus strand). VCF-style: chr2-214982186-C-A. GRCh37 (hg19) VCF-style: chr2-215846910-C-A.
Other names: c.3625+1G>T (NM_015657.4).
Identifiers: ClinVar variation 2815767 (VCV002815767.3), dbSNP rs1267050481, ClinGen allele CA350461524.